The following is an entry in ClinVar:

NM_001130438.3(SPTAN1):c.1189G>A (p.Glu397Lys)

Gene: SPTAN1 (spectrin alpha, non-erythrocytic 1; plus strand). Cytogenetic location: 9q34.11.
Variant type: single nucleotide variant.
Coding change: c.1189G>A on transcript NM_001130438.3 (MANE Select); coding-DNA position 1189, G replaced by A.
Protein change: p.Glu397Lys; replaces glutamic acid 397 with lysine.
Molecular consequence: missense variant.
Genome position (GRCh38, 1-based): chr9:128,578,213, G>A. VCF-style: chr9-128578213-G-A. GRCh37 (hg19) VCF-style: chr9-131340492-G-A.
Other names: c.1189G>A, p.Glu397Lys (NM_001195532.2, NM_001363759.2, NM_001363765.2 and 1 more transcripts); short protein forms E397K.
Identifiers: ClinVar variation 640874 (VCV000640874.9), dbSNP rs1589192271, ClinGen allele CA375051942.

ClinVar aggregate classification (germline): Uncertain significance (1 of 4 stars; one submission).

Conditions:
Early-infantile DEE. Also called: Early infantile epileptic encephalopathy; Early infantile epileptic encephalopathy with suppression bursts; Ohtahara syndrome. Identifiers: Orphanet 1934, MedGen C0393706, MONDO:0800491.

Submission:

Labcorp Genetics (formerly Invitae), Labcorp
Classification: Uncertain significance for Early-infantile DEE. Last evaluated: 2022-08-31. Review status: criteria provided, single submitter. Criteria: Invitae Variant Classification Sherloc (09022015). Collection method: clinical testing. Allele origin: germline.
Comment: This sequence change replaces glutamic acid, which is acidic and polar, with lysine, which is basic and polar, at codon 397 of the SPTAN1 protein (p.Glu397Lys). In summary, the available evidence is currently insufficient to determine the role of this variant in disease. Therefore, it has been classified as a Variant of Uncertain Significance. Algorithms developed to predict the effect of missense changes on protein structure and function (SIFT, PolyPhen-2, Align-GVGD) all suggest that this variant is likely to be disruptive. ClinVar contains an entry for this variant (Variation ID: 640874). This variant has not been reported in the literature in individuals affected with SPTAN1-related conditions. This variant is not present in population databases (gnomAD no frequency).